The following is an entry in ClinVar:

ClinVar aggregate classification (germline): Uncertain significance. Review status: criteria provided, multiple submitters, no conflicts (2 of 4 stars). 2 submissions from 2 submitters: Uncertain significance (2). Last evaluated 2023-05-11.

Conditions:
Cardiovascular phenotype. Identifiers: MedGen CN230736.

Allele frequency attached by ClinVar (database versions not stated): TOPMed below 0.00001.

Submissions (2):

Ambry Genetics
Classification: Uncertain significance for Cardiovascular phenotype. Last evaluated: 2023-05-11. Review status: criteria provided, single submitter. Criteria: Ambry Variant Classification Scheme 2023. Collection method: clinical testing. Allele origin: germline.
Comment: The p.F563L variant (also known as c.1687T>C), located in coding exon 1 of the ZNF469 gene, results from a T to C substitution at nucleotide position 1687. The phenylalanine at codon 563 is replaced by leucine, an amino acid with highly similar properties. This amino acid position is conserved. In addition, this alteration is predicted to be tolerated by in silico analysis. Since supporting evidence is limited at this time, the clinical significance of this alteration remains unclear.

Labcorp Genetics (formerly Invitae), Labcorp
Classification: Uncertain significance. Last evaluated: 2022-07-24. Review status: criteria provided, single submitter. Criteria: Invitae Variant Classification Sherloc (09022015). Collection method: clinical testing. Allele origin: germline.
Comment: This variant has not been reported in the literature in individuals affected with ZNF469-related conditions. This variant is not present in population databases (gnomAD no frequency). This sequence change replaces phenylalanine, which is neutral and non-polar, with leucine, which is neutral and non-polar, at codon 563 of the ZNF469 protein (p.Phe563Leu). In summary, the available evidence is currently insufficient to determine the role of this variant in disease. Therefore, it has been classified as a Variant of Uncertain Significance. Algorithms developed to predict the effect of missense changes on protein structure and function are either unavailable or do not agree on the potential impact of this missense change (SIFT: "Deleterious"; PolyPhen-2: "Possibly Damaging"; Align-GVGD: "Class C0").

NM_001367624.2(ZNF469):c.1687T>C (p.Phe563Leu)

Gene: ZNF469 (zinc finger protein 469; plus strand). Cytogenetic location: 16q24.2.
Variant type: single nucleotide variant.
Coding change: c.1687T>C on transcript NM_001367624.2 (MANE Select); coding-DNA position 1687, T replaced by C.
Protein change: p.Phe563Leu; replaces phenylalanine 563 with leucine.
Molecular consequence: missense variant.
Genome position (GRCh38, 1-based): chr16:88,429,157, T>C. VCF-style: chr16-88429157-T-C. GRCh37 (hg19) VCF-style: chr16-88495565-T-C.
Other names: NM_001127464.1:c.1687T>C; short protein forms F563L.
Identifiers: ClinVar variation 2086002 (VCV002086002.6), dbSNP rs1438698259, ClinGen allele CA397068077.